The following is an entry in ClinVar:

ClinVar aggregate classification (germline): Uncertain significance (1 of 4 stars; one submission).

Submission:

Ambry Genetics
Classification: Uncertain significance. Last evaluated: 2023-10-01. Review status: criteria provided, single submitter. Criteria: Ambry Variant Classification Scheme 2023. Collection method: clinical testing. Allele origin: germline.
Comment: The p.C1068R variant (also known as c.3202T>C), located in coding exon 18 of the PALLD gene, results from a T to C substitution at nucleotide position 3202. The cysteine at codon 1068 is replaced by arginine, an amino acid with highly dissimilar properties. This amino acid position is conserved. In addition, this alteration is predicted to be deleterious by in silico analysis. Since supporting evidence is limited at this time, the clinical significance of this alteration remains unclear.

NM_001166108.2(PALLD):c.3253T>C (p.Cys1085Arg)

Genes: CBR4 (carbonyl reductase 4; minus strand), PALLD (palladin, cytoskeletal associated protein; plus strand). Cytogenetic location: 4q32.3.
Variant type: single nucleotide variant.
Coding change: c.3253T>C on transcript NM_001166108.2 (MANE Select); coding-DNA position 3253, T replaced by C.
Protein change: p.Cys1085Arg; replaces cysteine 1085 with arginine.
Molecular consequence: missense variant.
Genome position (GRCh38, 1-based): chr4:168,924,973, T>C. VCF-style: chr4-168924973-T-C. GRCh37 (hg19) VCF-style: chr4-169846124-T-C.
Other names: c.2056T>C, p.Cys686Arg (NM_001166109.2); c.1741T>C, p.Cys581Arg (NM_001166110.2); c.1081T>C, p.Cys361Arg (NM_001367567.1, NM_001367569.1); c.1132T>C, p.Cys378Arg (NM_001367568.1, NM_001367570.1); c.3202T>C, p.Cys1068Arg (NM_016081.4); short protein forms C1068R, C1085R, C361R, C378R, C581R, C686R.
Identifiers: ClinVar variation 3226801 (VCV003226801.1), dbSNP rs2534267616, ClinGen allele CA358713615.